The following is an entry in ClinVar:

ClinVar aggregate classification (germline): Benign/Likely benign. Review status: criteria provided, multiple submitters, no conflicts (2 of 4 stars). 3 submissions from 3 submitters: Benign (1); Likely benign (2). Last evaluated 2025-08-17.

Conditions:
Familial cancer of breast. Also called: Hereditary breast cancer; hereditary breast carcinoma; BREAST CANCER, FAMILIAL. Identifiers: Orphanet 227535, MedGen C0346153, MONDO:0016419, OMIM 114480. Disease mechanism: loss of function.
Ataxia-telangiectasia syndrome (AT). Also called: Ataxia telangiectasia (A-T); LOUIS-BAR SYNDROME; Cerebello-oculocutaneous telangiectasia; Immunodeficiency with ataxia telangiectasia; Ataxia-telangiectasia, complementation group D; AT, COMPLEMENTATION GROUP C. Identifiers: Orphanet 100, MedGen C0004135, MONDO:0008840, OMIM 208900.
Hereditary cancer-predisposing syndrome. Also called: Hereditary neoplastic syndrome; Neoplastic Syndromes, Hereditary; Tumor predisposition; Hereditary Cancer Syndrome. Identifiers: Orphanet 140162, MedGen C0027672, MeSH D009386, MONDO:0015356.

Submissions (3):

Labcorp Genetics (formerly Invitae), Labcorp
Classification: Likely benign for Ataxia-telangiectasia syndrome. Last evaluated: 2025-08-17. Review status: criteria provided, single submitter. Criteria: Invitae Variant Classification Sherloc (09022015). Collection method: clinical testing. Allele origin: germline.

Myriad Genetics, Inc.
Classification: Benign for Familial cancer of breast. Last evaluated: 2024-05-24. Review status: criteria provided, single submitter. Criteria: Myriad Autosomal Dominant, Autosomal Recessive and X-Linked Classification Criteria (2023). Collection method: clinical testing. Allele origin: unknown.
Comment: This variant is considered benign. This variant is a silent/synonymous amino acid change and it is not expected to impact splicing.

Ambry Genetics
Classification: Likely benign for Hereditary cancer-predisposing syndrome. Last evaluated: 2020-01-27. Review status: criteria provided, single submitter. Criteria: Ambry Variant Classification Scheme 2023. Collection method: clinical testing. Allele origin: germline.

NM_000051.4(ATM):c.5880C>A (p.Ile1960=)

Genes: ATM (ATM serine/threonine kinase; plus strand), C11orf65 (chromosome 11 open reading frame 65; minus strand). Cytogenetic location: 11q22.3.
Variant type: single nucleotide variant.
Coding change: c.5880C>A on transcript NM_000051.4 (MANE Select); coding-DNA position 5880, C replaced by A.
Protein change: p.Ile1960=; no amino-acid change (isoleucine 1960 retained).
Molecular consequence: synonymous variant. On other transcripts: intron variant (2).
Genome position (GRCh38, 1-based): chr11:108,310,277, C>A. VCF-style: chr11-108310277-C-A. GRCh37 (hg19) VCF-style: chr11-108181004-C-A.
Other names: c.5880C>A, p.Ile1960= (NM_001351834.2); c.641-1206G>T (NM_001330368.2); c.*39-1206G>T (NM_001351110.2).
Identifiers: ClinVar variation 1750266 (VCV001750266.3), dbSNP rs1555110464, ClinGen allele CA476675505.